The following is an entry in ClinVar:

ClinVar aggregate classification (germline): Uncertain significance (1 of 4 stars; one submission).

Conditions:
Idiopathic generalized epilepsy. Also called: EIG; Generalised epilepsy. Identifiers: MedGen C0270850, MONDO:0005579, OMIM 600669.

Allele frequency attached by ClinVar (database versions not stated): ExAC 0.00002; TOPMed 0.00001; gnomAD exomes 0.00002.
gnomAD v4.1: 35 of 1,613,506 alleles (0.0022%); highest among the groups gnomAD compares: Middle Eastern, 0.049%; no homozygotes.

Submission:

Labcorp Genetics (formerly Invitae), Labcorp
Classification: Uncertain significance for Idiopathic generalized epilepsy. Last evaluated: 2025-03-31. Review status: criteria provided, single submitter. Criteria: Invitae Variant Classification Sherloc (09022015). Collection method: clinical testing. Allele origin: germline.
Comment: This sequence change replaces proline, which is neutral and non-polar, with leucine, which is neutral and non-polar, at codon 97 of the RBFOX1 protein (p.Pro97Leu). This variant is present in population databases (rs772316128, gnomAD 0.03%). This variant has not been reported in the literature in individuals affected with RBFOX1-related conditions. ClinVar contains an entry for this variant (Variation ID: 2740201). Invitae Evidence Modeling of protein sequence and biophysical properties (such as structural, functional, and spatial information, amino acid conservation, physicochemical variation, residue mobility, and thermodynamic stability) indicates that this missense variant is not expected to disrupt RBFOX1 protein function with a negative predictive value of 80%. In summary, the available evidence is currently insufficient to determine the role of this variant in disease. Therefore, it has been classified as a Variant of Uncertain Significance.

NM_018723.4(RBFOX1):c.230C>T (p.Pro77Leu)

Gene: RBFOX1 (RNA binding fox-1 homolog 1; plus strand). Cytogenetic location: 16p13.3.
Variant type: single nucleotide variant.
Coding change: c.230C>T on transcript NM_018723.4 (MANE Select); coding-DNA position 230, C replaced by T.
Protein change: p.Pro77Leu; replaces proline 77 with leucine.
Molecular consequence: missense variant.
Genome position (GRCh38, 1-based): chr16:7,518,349, C>T. VCF-style: chr16-7518349-C-T. GRCh37 (hg19) VCF-style: chr16-7568351-C-T.
Other names: c.230C>T, p.Pro77Leu (NM_001142333.2, NM_001142334.2, NM_001364800.2 and 1 more transcripts); c.359C>T, p.Pro120Leu (NM_001308117.1, NM_001411047.1, NM_001415891.1 and 5 more transcripts); c.827C>T, p.Pro276Leu (NM_001415887.1, NM_001415888.1); c.338C>T, p.Pro113Leu (NM_001415889.1, NM_001415892.1, NM_001415909.1 and 5 more transcripts); c.305C>T, p.Pro102Leu (NM_001415890.1, NM_001415893.1, NM_001415905.1 and 4 more transcripts); c.290C>T, p.Pro97Leu (NM_001415904.1, NM_001415906.1, NM_001415896.1 and 4 more transcripts); c.236C>T, p.Pro79Leu (NM_001415911.1, NM_001415902.1, NM_001415917.1); short protein forms P113L, P97L, P120L, P77L, P102L, P276L, P79L.
Identifiers: ClinVar variation 2740201 (VCV002740201.3), dbSNP rs772316128, ClinGen allele CA7891369.